The following is an entry in ClinVar:

NM_032892.5(FRMD5):c.947G>T (p.Arg316Leu)

Gene: FRMD5 (FERM domain containing 5; minus strand). Cytogenetic location: 15q15.3.
Variant type: single nucleotide variant.
Coding change: c.947G>T on transcript NM_032892.5 (MANE Select); coding-DNA position 947, G replaced by T.
Protein change: p.Arg316Leu; replaces arginine 316 with leucine.
Molecular consequence: missense variant. On other transcripts: non-coding transcript variant (1).
Genome position (GRCh38, 1-based): chr15:43,885,693, C>A on the plus strand (G>T on the coding strand, the complement: FRMD5 is on the minus strand). VCF-style: chr15-43885693-C-A. GRCh37 (hg19) VCF-style: chr15-44177891-C-A.
Other names: c.665G>T, p.Arg222Leu (NM_001286490.2); c.245G>T, p.Arg82Leu (NM_001286491.2); c.947G>T, p.Arg316Leu (NM_001322949.2, NM_001322950.2, NM_001411124.1); c.842G>T, p.Arg281Leu (NM_001322951.2); short protein forms R222L, R281L, R316L, R82L.
Identifiers: ClinVar variation 3772096 (VCV003772096.13).

ClinVar aggregate classification (germline): Likely pathogenic (1 of 4 stars; one submission).

Submission:

CeGaT Center for Human Genetics Tuebingen
Classification: Likely pathogenic. Last evaluated: 2024-12-01. Review status: criteria provided, single submitter. Criteria: CeGaT Center For Human Genetics Tuebingen Variant Classification Criteria Version 2. Collection method: clinical testing. Allele origin: germline. Affected: yes. Observed: 1 variant allele.
Comment: FRMD5: PS2, PM2, PP3